The following is an entry in ClinVar:

ClinVar aggregate classification (germline): Uncertain significance (1 of 4 stars; one submission).

Conditions:
Gorlin syndrome. Also called: Nevoid Basal Cell Carcinoma Syndrome; Basal cell nevus syndrome. Identifiers: Orphanet 377, MedGen C0004779, MONDO:0007187.

Submission:

Labcorp Genetics (formerly Invitae), Labcorp
Classification: Uncertain significance for Gorlin syndrome. Last evaluated: 2020-11-05. Review status: criteria provided, single submitter. Criteria: Invitae Variant Classification Sherloc (09022015). Collection method: clinical testing. Allele origin: germline.
Comment: This variant is not present in population databases (ExAC no frequency). This sequence change replaces glycine with cysteine at codon 1023 of the PTCH1 protein (p.Gly1023Cys). The glycine residue is weakly conserved and there is a large physicochemical difference between glycine and cysteine. This variant has not been reported in the literature in individuals with PTCH1-related conditions. Advanced modeling of protein sequence and biophysical properties (such as structural, functional, and spatial information, amino acid conservation, physicochemical variation, residue mobility, and thermodynamic stability) performed at Invitae indicates that this missense variant is not expected to disrupt PTCH1 protein function. In summary, the available evidence is currently insufficient to determine the role of this variant in disease. Therefore, it has been classified as a Variant of Uncertain Significance.

NM_000264.5(PTCH1):c.3067G>T (p.Gly1023Cys)

Gene: PTCH1 (patched 1; minus strand). Cytogenetic location: 9q22.32.
Variant type: single nucleotide variant.
Coding change: c.3067G>T on transcript NM_000264.5 (MANE Select); coding-DNA position 3067, G replaced by T.
Protein change: p.Gly1023Cys; replaces glycine 1023 with cysteine.
Molecular consequence: missense variant. On other transcripts: non-coding transcript variant (1).
Genome position (GRCh38, 1-based): chr9:95,458,114, C>A on the plus strand (G>T on the coding strand, the complement: PTCH1 is on the minus strand). VCF-style: chr9-95458114-C-A. GRCh37 (hg19) VCF-style: chr9-98220396-C-A.
Other names: c.2869G>T, p.Gly957Cys (NM_001083602.3); c.3064G>T, p.Gly1022Cys (NM_001083603.3); c.2614G>T, p.Gly872Cys (NM_001083604.3, NM_001083605.3, NM_001083606.3 and 1 more transcripts); c.2911G>T, p.Gly971Cys (NM_001354918.2); short protein forms G1023C, G957C, G872C, G1022C, G971C.
Identifiers: ClinVar variation 1388555 (VCV001388555.8), dbSNP rs752317944, ClinGen allele CA374112457.